The following is an entry in ClinVar:

ClinVar aggregate classification (germline): Likely benign. Review status: criteria provided, multiple submitters, no conflicts (2 of 4 stars). 3 submissions from 3 submitters: Likely benign (3). Last evaluated 2025-07-28.

Conditions:
Inborn genetic diseases. Identifiers: MedGen C0950123, MeSH D030342.

Allele frequency attached by ClinVar (database versions not stated): gnomAD 0.00001; gnomAD exomes 0.00003; TOPMed 0.00003; ExAC 0.00005; ESP Exome Variant Server 0.00008.
gnomAD v4.1: 43 of 1,614,076 alleles (0.0027%); highest among the groups gnomAD compares: Admixed American, 0.013%; no homozygotes.

Submissions (3):

Mayo Clinic Laboratories, Mayo Clinic
Classification: Likely benign. Last evaluated: 2025-07-28. Review status: criteria provided, single submitter. Criteria: ACMG Guidelines, 2015. Collection method: clinical testing. Allele origin: germline. Observed: 1 variant allele.
Comment: BP4, BP7

Labcorp Genetics (formerly Invitae), Labcorp
Classification: Likely benign. Last evaluated: 2025-06-10. Review status: criteria provided, single submitter. Criteria: Invitae Variant Classification Sherloc (09022015). Collection method: clinical testing. Allele origin: germline.

Ambry Genetics
Classification: Likely benign for Inborn genetic diseases. Last evaluated: 2025-01-07. Review status: criteria provided, single submitter. Criteria: Ambry Variant Classification Scheme 2023. Collection method: clinical testing. Allele origin: germline.

NM_001987.5(ETV6):c.1032C>T (p.Tyr344=)

Genes: ETV6 (ETS variant transcription factor 6; plus strand), LOC126861452 (CDK7 strongly-dependent group 2 enhancer GRCh37_chr12:12037195-12038394; plus strand). Cytogenetic location: 12p13.2.
Variant type: single nucleotide variant.
Coding change: c.1032C>T on transcript NM_001987.5 (MANE Select); coding-DNA position 1032, C replaced by T.
Protein change: p.Tyr344=; no amino-acid change (tyrosine 344 retained).
Molecular consequence: synonymous variant. On other transcripts: intron variant (1).
Genome position (GRCh38, 1-based): chr12:11,884,467, C>T. VCF-style: chr12-11884467-C-T. GRCh37 (hg19) VCF-style: chr12-12037401-C-T.
Other names: p.Tyr344=; c.1029C>T, p.Tyr343= (NM_001413913.1); c.1005C>T, p.Tyr335= (NM_001413914.1); c.768C>T, p.Tyr256= (NM_001413915.1); c.1010-6474C>T (NM_001413917.1).
Identifiers: ClinVar variation 2196312 (VCV002196312.6), dbSNP rs372141414, ClinGen allele CA6454390.
Genomic context (GRCh38, chr12:11,884,467, plus strand): 5'-CATTTTCAACAGTGTTTTCTTGCCCTTTTCCTCTGTAGACTGTAGACTGCTTTGGGATTA[C>T]GTCTATCAGTTGCTTTCTGACAGCCGGTACGAAAACTTCATCCGATGGGAGGACAAAGAA-3'
Protein context (NP_001978.1, residues 334-354): RIADCRLLWD[Tyr344=]VYQLLSDSRY